The following is an entry in ClinVar:

NM_130384.3(ATRIP):c.2219A>G (p.His740Arg)

Genes: ATRIP (ATR interacting protein; plus strand), ATRIP-TREX1 (ATRIP-TREX1 readthrough; plus strand). Cytogenetic location: 3p21.31.
Variant type: single nucleotide variant.
Coding change: c.2219A>G on transcript NM_130384.3 (MANE Select); coding-DNA position 2219, A replaced by G.
Protein change: p.His740Arg; replaces histidine 740 with arginine.
Molecular consequence: missense variant. On other transcripts: non-coding transcript variant (1).
Genome position (GRCh38, 1-based): chr3:48,464,994, A>G. VCF-style: chr3-48464994-A-G. GRCh37 (hg19) VCF-style: chr3-48506393-A-G.
Other names: c.1838A>G, p.His613Arg (NM_001271022.2); c.1940A>G, p.His647Arg (NM_001271023.2); c.2138A>G, p.His713Arg (NM_032166.4); short protein forms H613R, H647R, H740R, H713R.
Identifiers: ClinVar variation 4644533 (VCV004644533.1).
Genomic context (GRCh38, chr3:48,464,994, plus strand): 5'-TGCGGGACACGGTGCTGCTGCTGCACGGCCTATCGCAGAAGGACAAGCTCTTCATGATGC[A>G]CTGCGTGGAGGTCCTGCATCAGTTTGACCAGGTGATGCCGGGGGTCAGCATGCTCATCCG-3'
Protein context (NP_569055.1, residues 730-750): LSQKDKLFMM[His740Arg]CVEVLHQFDQ

ClinVar aggregate classification (germline): Uncertain significance (1 of 4 stars; one submission).

Submission:

Ambry Genetics
Classification: Uncertain significance. Last evaluated: 2025-10-11. Review status: criteria provided, single submitter. Criteria: Ambry Variant Classification Scheme 2023. Collection method: clinical testing. Allele origin: germline.
Comment: The p.H740R variant (also known as c.2219A>G), located in coding exon 12 of the ATRIP gene, results from an A to G substitution at nucleotide position 2219. The histidine at codon 740 is replaced by arginine, an amino acid with highly similar properties. This amino acid position is conserved. In addition, this alteration is predicted to be deleterious by in silico analysis. Based on the available evidence, the clinical significance of this variant remains unclear.